The following is an entry in ClinVar:

NM_000246.4(CIITA):c.2111C>T (p.Ser704Phe)

Gene: CIITA (class II major histocompatibility complex transactivator; plus strand). Cytogenetic location: 16p13.13.
Variant type: single nucleotide variant.
Coding change: c.2111C>T on transcript NM_000246.4 (MANE Select); coding-DNA position 2111, C replaced by T.
Protein change: p.Ser704Phe; replaces serine 704 with phenylalanine.
Molecular consequence: missense variant. On other transcripts: intron variant (1).
Genome position (GRCh38, 1-based): chr16:10,907,603, C>T. VCF-style: chr16-10907603-C-T. GRCh37 (hg19) VCF-style: chr16-11001460-C-T.
Other names: c.2114C>T, p.Ser705Phe (NM_001286402.1, NM_001379332.1); c.1967C>T, p.Ser656Phe (NM_001379330.1); c.1964C>T, p.Ser655Phe (NM_001379331.1); c.2111C>T, p.Ser704Phe (NM_001379333.1); c.2042C>T, p.Ser681Phe (NM_001379334.1); c.860-1380C>T (NM_001286403.2); short protein forms S705F, S655F, S656F, S681F, S704F.
Identifiers: ClinVar variation 2162389 (VCV002162389.1), dbSNP rs768430228, ClinGen allele CA394732408.

ClinVar aggregate classification (germline): Uncertain significance (1 of 4 stars; one submission).

Conditions:
MHC class II deficiency. Also called: Bare lymphocyte syndrome 2; BLS, TYPE II. Identifiers: Orphanet 572, MedGen C5447452, MONDO:0008855.

Allele frequency attached by ClinVar (database versions not stated): gnomAD 0.00001; TOPMed 0.00002.
gnomAD v4.1: 22 of 1,614,124 alleles (0.0014%); highest among the groups gnomAD compares: Non-Finnish European, 0.0017%; no homozygotes.

Submission:

Labcorp Genetics (formerly Invitae), Labcorp
Classification: Uncertain significance for MHC class II deficiency. Last evaluated: 2022-03-19. Review status: criteria provided, single submitter. Criteria: Invitae Variant Classification Sherloc (09022015). Collection method: clinical testing. Allele origin: germline.
Comment: This sequence change replaces serine, which is neutral and polar, with phenylalanine, which is neutral and non-polar, at codon 704 of the CIITA protein (p.Ser704Phe). This variant is present in population databases (no rsID available, gnomAD 0.002%). This variant has not been reported in the literature in individuals affected with CIITA-related conditions. Algorithms developed to predict the effect of missense changes on protein structure and function (SIFT, PolyPhen-2, Align-GVGD) all suggest that this variant is likely to be tolerated. In summary, the available evidence is currently insufficient to determine the role of this variant in disease. Therefore, it has been classified as a Variant of Uncertain Significance.